The following is an entry in ClinVar:

NM_201384.3(PLEC):c.1711A>G (p.Lys571Glu)

Gene: PLEC (plectin; minus strand). Cytogenetic location: 8q24.3.
Variant type: single nucleotide variant.
Coding change: c.1711A>G on transcript NM_201384.3 (MANE Select); coding-DNA position 1711, A replaced by G.
Protein change: p.Lys571Glu; replaces lysine 571 with glutamic acid.
Molecular consequence: missense variant.
Genome position (GRCh38, 1-based): chr8:143,932,819, T>C on the plus strand (A>G on the coding strand, the complement: PLEC is on the minus strand). VCF-style: chr8-143932819-T-C. GRCh37 (hg19) VCF-style: chr8-145006987-T-C.
Other names: c.1711A>G, p.Lys571Glu (NM_201382.4); c.1723A>G, p.Lys575Glu (NM_201383.3); c.1792A>G, p.Lys598Glu (NM_000445.5, NM_001410941.1); c.1669A>G, p.Lys557Glu (NM_201378.4); c.1645A>G, p.Lys549Glu (NM_201379.3); c.2122A>G, p.Lys708Glu (NM_201380.4); c.1615A>G, p.Lys539Glu (NM_201381.3); short protein forms K539E, K549E, K557E, K571E, K575E, K598E, K708E.
Identifiers: ClinVar variation 3749047 (VCV003749047.2).

ClinVar aggregate classification (germline): Uncertain significance (1 of 4 stars; one submission).

Conditions:
Epidermolysis bullosa simplex with nail dystrophy (EBS5D). Identifiers: MedGen C4225309, MONDO:0014661, OMIM 616487.
Autosomal recessive limb-girdle muscular dystrophy type 2Q (LGMDR17). Also called: MUSCULAR DYSTROPHY, LIMB-GIRDLE, AUTOSOMAL RECESSIVE 17. Identifiers: Orphanet 254361, MedGen C3150989, MONDO:0013390, OMIM 613723.
Epidermolysis bullosa simplex 5B, with muscular dystrophy (EBS5B). Also called: Epidermolysis bullosa simplex with muscular dystrophy; EPIDERMOLYSIS BULLOSA SIMPLEX AND LIMB-GIRDLE MUSCULAR DYSTROPHY. Identifiers: Orphanet 257, MedGen C2931072, MONDO:0009181, OMIM 226670.
Epidermolysis bullosa simplex 5C, with pyloric atresia (EBS5C). Also called: PLEC-Related Epidermolysis Bullosa with Pyloric Atresia; Epidermolysis bullosa simplex with pyloric atresia; PLEC1-Related Epidermolysis Bullosa with Pyloric Atresia. Identifiers: Orphanet 158684, MedGen C2677349, MONDO:0012807, OMIM 612138.
Epidermolysis bullosa simplex, Ogna type (EBS5A). Also called: Pidermolysis bullosa simplex 5A, Ogna type; EPIDERMOLYSIS BULLOSA SIMPLEX 5A, OGNA TYPE. Identifiers: Orphanet 79401, MedGen C0432317, MONDO:0007555, OMIM 131950.

gnomAD v4.1: 2 of 1,612,416 alleles (0.00012%); highest among the groups gnomAD compares: Admixed American, 0.0033%; no homozygotes.

Submission:

Labcorp Genetics (formerly Invitae), Labcorp
Classification: Uncertain significance for Autosomal recessive limb-girdle muscular dystrophy type 2Q; Epidermolysis bullosa simplex, Ogna type; Epidermolysis bullosa simplex with nail dystrophy; Epidermolysis bullosa simplex 5C, with pyloric atresia; Epidermolysis bullosa simplex 5B, with muscular dystrophy. Last evaluated: 2024-03-21. Review status: criteria provided, single submitter. Criteria: Invitae Variant Classification Sherloc (09022015). Collection method: clinical testing. Allele origin: germline.
Comment: This sequence change replaces lysine, which is basic and polar, with glutamic acid, which is acidic and polar, at codon 598 of the PLEC protein (p.Lys598Glu). This variant is not present in population databases (gnomAD no frequency). This variant has not been reported in the literature in individuals affected with PLEC-related conditions. Advanced modeling of protein sequence and biophysical properties (such as structural, functional, and spatial information, amino acid conservation, physicochemical variation, residue mobility, and thermodynamic stability) has been performed at Invitae for this missense variant, however the output from this modeling did not meet the statistical confidence thresholds required to predict the impact of this variant on PLEC protein function. In summary, the available evidence is currently insufficient to determine the role of this variant in disease. Therefore, it has been classified as a Variant of Uncertain Significance.